The following is an entry in ClinVar:

NM_015267.4(CUX2):c.4114C>T (p.Arg1372Ter)

Gene: CUX2 (cut like homeobox 2; plus strand). Cytogenetic location: 12q24.12.
Variant type: single nucleotide variant.
Coding change: c.4114C>T on transcript NM_015267.4 (MANE Select); coding-DNA position 4114, C replaced by T.
Protein change: p.Arg1372Ter; replaces arginine 1372 with a stop codon.
Molecular consequence: nonsense.
Genome position (GRCh38, 1-based): chr12:111,347,978, C>T. VCF-style: chr12-111347978-C-T. GRCh37 (hg19) VCF-style: chr12-111785782-C-T.
Other names: c.3928C>T, p.Arg1310Ter (NM_001370598.1); short protein forms R1310*, R1372*.
Identifiers: ClinVar variation 3772371 (VCV003772371.13).

ClinVar aggregate classification (germline): Uncertain significance (1 of 4 stars; one submission).

gnomAD v4.1: 2 of 1,614,116 alleles (0.00012%); highest among the groups gnomAD compares: East Asian, 0.0022%; no homozygotes.

Submission:

CeGaT Center for Human Genetics Tuebingen
Classification: Uncertain significance. Last evaluated: 2025-01-01. Review status: criteria provided, single submitter. Criteria: CeGaT Center For Human Genetics Tuebingen Variant Classification Criteria Version 2. Collection method: clinical testing. Allele origin: germline. Affected: yes. Observed: 1 variant allele.
Comment: CUX2: PM2, PVS1:Moderate